The following is an entry in ClinVar:

NM_198129.4(LAMA3):c.8911C>T (p.Gln2971Ter)

Gene: LAMA3 (laminin subunit alpha 3; plus strand). Cytogenetic location: 18q11.2.
Variant type: single nucleotide variant.
Coding change: c.8911C>T on transcript NM_198129.4 (MANE Select); coding-DNA position 8911, C replaced by T.
Protein change: p.Gln2971Ter; replaces glutamine 2971 with a stop codon.
Molecular consequence: nonsense.
Genome position (GRCh38, 1-based): chr18:23,939,271, C>T. VCF-style: chr18-23939271-C-T. GRCh37 (hg19) VCF-style: chr18-21519235-C-T.
Other names: c.4084C>T, p.Gln1362Ter (NM_000227.6); c.8743C>T, p.Gln2915Ter (NM_001127717.4); c.3916C>T, p.Gln1306Ter (NM_001127718.4); short protein forms Q1362*, Q2915*, Q2971*, Q1306*.
Identifiers: ClinVar variation 1422229 (VCV001422229.6), dbSNP rs2145461231, ClinGen allele CA402048325.

ClinVar aggregate classification (germline): Pathogenic (1 of 4 stars; one submission).

Allele frequency attached by ClinVar (database versions not stated): gnomAD exomes below 0.00001.
gnomAD v4.1: 1 of 1,614,156 alleles (0.000062%); highest among the groups gnomAD compares: Non-Finnish European, 0.000085%; no homozygotes.

Submission:

Labcorp Genetics (formerly Invitae), Labcorp
Classification: Pathogenic. Last evaluated: 2022-08-19. Review status: criteria provided, single submitter. Criteria: Invitae Variant Classification Sherloc (09022015). Collection method: clinical testing. Allele origin: germline.
Comment: This sequence change creates a premature translational stop signal (p.Gln1362*) in the LAMA3 gene. It is expected to result in an absent or disrupted protein product. Loss-of-function variants in LAMA3 are known to be pathogenic (PMID: 10366601, 11810295, 12915477, 16473856, 17362460, 22434185, 23869449, 27827380, 28087116). This variant is not present in population databases (gnomAD no frequency). This variant has not been reported in the literature in individuals affected with LAMA3-related conditions. ClinVar contains an entry for this variant (Variation ID: 1422229). Algorithms developed to predict the effect of sequence changes on RNA splicing suggest that this variant may create or strengthen a splice site. For these reasons, this variant has been classified as Pathogenic.

Literature cited by the submitters: PubMed 10366601; PubMed 11810295; PubMed 12915477; PubMed 16473856; PubMed 17362460; PubMed 22434185; PubMed 23869449; PubMed 27827380; PubMed 28087116.